The following is an entry in ClinVar:

NM_000553.6(WRN):c.1469C>T (p.Thr490Ile)

Gene: WRN (WRN RecQ like helicase; plus strand). Cytogenetic location: 8p12.
Variant type: single nucleotide variant.
Coding change: c.1469C>T on transcript NM_000553.6 (MANE Select); coding-DNA position 1469, C replaced by T.
Protein change: p.Thr490Ile; replaces threonine 490 with isoleucine.
Molecular consequence: missense variant.
Genome position (GRCh38, 1-based): chr8:31,087,813, C>T. VCF-style: chr8-31087813-C-T. GRCh37 (hg19) VCF-style: chr8-30945329-C-T.
Other names: short protein forms T490I.
Identifiers: ClinVar variation 575244 (VCV000575244.1), dbSNP rs1563342978, ClinGen allele CA370924342.

ClinVar aggregate classification (germline): Uncertain significance (1 of 4 stars; one submission).

Conditions:
Werner syndrome (WRN). Identifiers: Orphanet 902, MedGen C0043119, MONDO:0010196, OMIM 277700.

Submission:

Labcorp Genetics (formerly Invitae), Labcorp
Classification: Uncertain significance for Werner syndrome. Last evaluated: 2018-05-07. Review status: criteria provided, single submitter. Criteria: Invitae Variant Classification Sherloc (09022015). Collection method: clinical testing. Allele origin: germline.
Comment: This sequence change replaces threonine with isoleucine at codon 490 of the WRN protein (p.Thr490Ile). The threonine residue is weakly conserved and there is a moderate physicochemical difference between threonine and isoleucine. This variant is not present in population databases (ExAC no frequency). This variant has not been reported in the literature in individuals with WRN-related disease. Algorithms developed to predict the effect of missense changes on protein structure and function output the following: SIFT: "Tolerated"; PolyPhen-2: "Benign"; Align-GVGD: "Class C0". The isoleucine amino acid residue is found in multiple mammalian species, suggesting that this missense change does not adversely affect protein function. These predictions have not been confirmed by published functional studies and their clinical significance is uncertain. In summary, the available evidence is currently insufficient to determine the role of this variant in disease. Therefore, it has been classified as a Variant of Uncertain Significance.